The following is an entry in ClinVar:

ClinVar aggregate classification (germline): Uncertain significance. Review status: criteria provided, multiple submitters, no conflicts (2 of 4 stars). 2 submissions from 2 submitters: Uncertain significance (2). Last evaluated 2025-05-04.

Conditions:
Inborn genetic diseases. Identifiers: MedGen C0950123, MeSH D030342.

Allele frequency attached by ClinVar (database versions not stated): gnomAD exomes 0.00001; TOPMed 0.00002; ExAC 0.00003.
gnomAD v4.1: 14 of 1,614,000 alleles (0.00087%); highest among the groups gnomAD compares: African/African-American, 0.0027%; no homozygotes.

Submissions (2):

Labcorp Genetics (formerly Invitae), Labcorp
Classification: Uncertain significance. Last evaluated: 2025-05-04. Review status: criteria provided, single submitter. Criteria: Invitae Variant Classification Sherloc (09022015). Collection method: clinical testing. Allele origin: germline.
Comment: This sequence change replaces arginine, which is basic and polar, with glutamine, which is neutral and polar, at codon 625 of the LEMD3 protein (p.Arg625Gln). This variant is present in population databases (rs766320286, gnomAD 0.007%). This variant has not been reported in the literature in individuals affected with LEMD3-related conditions. ClinVar contains an entry for this variant (Variation ID: 2548621). Invitae Evidence Modeling of protein sequence and biophysical properties (such as structural, functional, and spatial information, amino acid conservation, physicochemical variation, residue mobility, and thermodynamic stability) indicates that this missense variant is not expected to disrupt LEMD3 protein function with a negative predictive value of 80%. In summary, the available evidence is currently insufficient to determine the role of this variant in disease. Therefore, it has been classified as a Variant of Uncertain Significance.

Ambry Genetics
Classification: Uncertain significance for Inborn genetic diseases. Last evaluated: 2023-05-18. Review status: criteria provided, single submitter. Criteria: Ambry Variant Classification Scheme 2023. Collection method: clinical testing. Allele origin: germline.

NM_014319.5(LEMD3):c.1874G>A (p.Arg625Gln)

Gene: LEMD3 (LEM domain containing 3; plus strand). Cytogenetic location: 12q14.3.
Variant type: single nucleotide variant.
Coding change: c.1874G>A on transcript NM_014319.5 (MANE Select); coding-DNA position 1874, G replaced by A.
Protein change: p.Arg625Gln; replaces arginine 625 with glutamine.
Molecular consequence: missense variant.
Genome position (GRCh38, 1-based): chr12:65,238,767, G>A. VCF-style: chr12-65238767-G-A. GRCh37 (hg19) VCF-style: chr12-65632547-G-A.
Other names: c.1871G>A, p.Arg624Gln (NM_001167614.2); short protein forms R624Q, R625Q.
Identifiers: ClinVar variation 2548621 (VCV002548621.4), dbSNP rs766320286, ClinGen allele CA6671061.